The following is an entry in ClinVar:

ClinVar aggregate classification (germline): Uncertain significance (1 of 4 stars; one submission).

Conditions:
Congenital neutropenia-myelofibrosis-nephromegaly syndrome. Also called: Severe congenital neutropenia 5, autosomal recessive. Identifiers: Orphanet 369852, MedGen C3809031, MONDO:0014118, OMIM 615285.

Allele frequency attached by ClinVar (database versions not stated): gnomAD exomes below 0.00001.
gnomAD v4.1: 1 of 1,613,800 alleles (0.000062%); highest among the groups gnomAD compares: African/African-American, 0.0013%; no homozygotes.

Submission:

Labcorp Genetics (formerly Invitae), Labcorp
Classification: Uncertain significance for Congenital neutropenia-myelofibrosis-nephromegaly syndrome. Last evaluated: 2022-03-19. Review status: criteria provided, single submitter. Criteria: Invitae Variant Classification Sherloc (09022015). Collection method: clinical testing. Allele origin: germline.
Comment: In summary, the available evidence is currently insufficient to determine the role of this variant in disease. Therefore, it has been classified as a Variant of Uncertain Significance. Algorithms developed to predict the effect of missense changes on protein structure and function are either unavailable or do not agree on the potential impact of this missense change (SIFT: "Deleterious"; PolyPhen-2: "Probably Damaging"; Align-GVGD: "Class C0"). ClinVar contains an entry for this variant (Variation ID: 665696). This variant has not been reported in the literature in individuals affected with VPS45-related conditions. This variant is not present in population databases (gnomAD no frequency). This sequence change replaces glutamic acid, which is acidic and polar, with glycine, which is neutral and non-polar, at codon 513 of the VPS45 protein (p.Glu513Gly).

NM_007259.5(VPS45):c.1538A>G (p.Glu513Gly)

Gene: VPS45 (vacuolar protein sorting 45 homolog; plus strand). Cytogenetic location: 1q21.2.
Variant type: single nucleotide variant.
Coding change: c.1538A>G on transcript NM_007259.5 (MANE Select); coding-DNA position 1538, A replaced by G.
Protein change: p.Glu513Gly; replaces glutamic acid 513 with glycine.
Molecular consequence: missense variant. On other transcripts: non-coding transcript variant (1).
Genome position (GRCh38, 1-based): chr1:150,110,540, A>G. VCF-style: chr1-150110540-A-G. GRCh37 (hg19) VCF-style: chr1-150082655-A-G.
Other names: c.1223A>G, p.Glu408Gly (NM_001279353.2); c.1430A>G, p.Glu477Gly (NM_001279354.2); short protein forms E477G, E513G, E408G.
Identifiers: ClinVar variation 665696 (VCV000665696.8), dbSNP rs1571879434, ClinGen allele CA342263764.
Genomic context (GRCh38, chr1:150,110,540, plus strand): 5'-TTCTTCATTATTGCAGACCTCAGGATATCATTGTGTTTGTAATTGGAGGAGCCACCTATG[A>G]AGAGGCTCTAACAGTTTATAACCTGAACCGCACCACTCCTGGAGTGAGGATTGTCCTGGG-3'
Protein context (NP_009190.2, residues 503-523): IVFVIGGATY[Glu513Gly]EALTVYNLNR